The following is an entry in ClinVar:

ClinVar aggregate classification (germline): Uncertain significance (1 of 4 stars; one submission).

Conditions:
Cowden syndrome (CS). Also called: Cowden's disease; Cowden's syndrome; Cowden disease. Identifiers: Orphanet 201, MedGen C0018553, MONDO:0016063. Disease mechanism: gain of function.

Allele frequency attached by ClinVar (database versions not stated): gnomAD exomes 0.00001.
gnomAD v4.1: 10 of 1,526,932 alleles (0.00065%); highest among the groups gnomAD compares: Non-Finnish European, 0.0009%; no homozygotes.

Submission:

Labcorp Genetics (formerly Invitae), Labcorp
Classification: Uncertain significance for Cowden syndrome. Last evaluated: 2023-03-11. Review status: criteria provided, single submitter. Criteria: Invitae Variant Classification Sherloc (09022015). Collection method: clinical testing. Allele origin: germline.
Comment: In summary, the available evidence is currently insufficient to determine the role of this variant in disease. Therefore, it has been classified as a Variant of Uncertain Significance. Advanced modeling of protein sequence and biophysical properties (such as structural, functional, and spatial information, amino acid conservation, physicochemical variation, residue mobility, and thermodynamic stability) has been performed at Invitae for this missense variant, however the output from this modeling did not meet the statistical confidence thresholds required to predict the impact of this variant on PIK3CA protein function. This variant has not been reported in the literature in individuals affected with PIK3CA-related conditions. This variant is not present in population databases (gnomAD no frequency). This sequence change replaces asparagine, which is neutral and polar, with aspartic acid, which is acidic and polar, at codon 763 of the PIK3CA protein (p.Asn763Asp).

NM_006218.4(PIK3CA):c.2287A>G (p.Asn763Asp)

Gene: PIK3CA (phosphatidylinositol-4,5-bisphosphate 3-kinase catalytic subunit alpha; plus strand). Cytogenetic location: 3q26.32.
Variant type: single nucleotide variant.
Coding change: c.2287A>G on transcript NM_006218.4 (MANE Select); coding-DNA position 2287, A replaced by G.
Protein change: p.Asn763Asp; replaces asparagine 763 with aspartic acid.
Molecular consequence: missense variant.
Genome position (GRCh38, 1-based): chr3:179,224,180, A>G. VCF-style: chr3-179224180-A-G. GRCh37 (hg19) VCF-style: chr3-178941968-A-G.
Other names: short protein forms N763D.
Identifiers: ClinVar variation 2882149 (VCV002882149.3), dbSNP rs1022964484, ClinGen allele CA88530975.